The following is an entry in ClinVar:

NM_014363.6(SACS):c.5998A>G (p.Lys2000Glu)

Gene: SACS (sacsin molecular chaperone; minus strand). Cytogenetic location: 13q12.12.
Variant type: single nucleotide variant.
Coding change: c.5998A>G on transcript NM_014363.6 (MANE Select); coding-DNA position 5998, A replaced by G.
Protein change: p.Lys2000Glu; replaces lysine 2000 with glutamic acid.
Molecular consequence: missense variant.
Genome position (GRCh38, 1-based): chr13:23,337,878, T>C on the plus strand (A>G on the coding strand, the complement: SACS is on the minus strand). VCF-style: chr13-23337878-T-C. GRCh37 (hg19) VCF-style: chr13-23912017-T-C.
Other names: c.5557A>G, p.Lys1853Glu (NM_001278055.2); short protein forms K1853E, K2000E.
Identifiers: ClinVar variation 2010958 (VCV002010958.4), dbSNP rs2542257383, ClinGen allele CA387524121.

ClinVar aggregate classification (germline): Uncertain significance (1 of 4 stars; one submission).

Conditions:
Spastic paraplegia. Identifiers: MedGen C0037772, HP:0001258.

Submission:

Labcorp Genetics (formerly Invitae), Labcorp
Classification: Uncertain significance for Spastic paraplegia. Last evaluated: 2022-07-09. Review status: criteria provided, single submitter. Criteria: Invitae Variant Classification Sherloc (09022015). Collection method: clinical testing. Allele origin: germline.
Comment: In summary, the available evidence is currently insufficient to determine the role of this variant in disease. Therefore, it has been classified as a Variant of Uncertain Significance. Advanced modeling of protein sequence and biophysical properties (such as structural, functional, and spatial information, amino acid conservation, physicochemical variation, residue mobility, and thermodynamic stability) performed at Invitae indicates that this missense variant is not expected to disrupt SACS protein function. This variant has not been reported in the literature in individuals affected with SACS-related conditions. This variant is not present in population databases (gnomAD no frequency). This sequence change replaces lysine, which is basic and polar, with glutamic acid, which is acidic and polar, at codon 2000 of the SACS protein (p.Lys2000Glu).